The following is an entry in ClinVar:

NM_001165963.4(SCN1A):c.1124T>G (p.Leu375Trp)

Gene: SCN1A (sodium voltage-gated channel alpha subunit 1; minus strand). Cytogenetic location: 2q24.3.
Variant type: single nucleotide variant.
Coding change: c.1124T>G on transcript NM_001165963.4 (MANE Select); coding-DNA position 1124, T replaced by G.
Protein change: p.Leu375Trp; replaces leucine 375 with tryptophan.
Molecular consequence: missense variant. On other transcripts: 5 prime UTR variant (1), non-coding transcript variant (1).
Genome position (GRCh38, 1-based): chr2:166,047,673, A>C on the plus strand (T>G on the coding strand, the complement: SCN1A is on the minus strand). VCF-style: chr2-166047673-A-C. GRCh37 (hg19) VCF-style: chr2-166904183-A-C.
Other names: c.1124T>G, p.Leu375Trp (NM_001165964.3, NM_001202435.3, NM_001353948.2 and 10 more transcripts); c.-1302T>G (NM_001353961.2); short protein forms L375W.
Identifiers: ClinVar variation 4800292 (VCV004800292.1).

ClinVar aggregate classification (germline): Uncertain significance (1 of 4 stars; one submission).

Conditions:
Early-infantile DEE. Also called: Early infantile epileptic encephalopathy with suppression bursts; Early infantile epileptic encephalopathy; Ohtahara syndrome. Identifiers: Orphanet 1934, MedGen C0393706, MONDO:0800491.

Submission:

Labcorp Genetics (formerly Invitae), Labcorp
Classification: Uncertain significance for Early-infantile DEE. Last evaluated: 2025-10-28. Review status: criteria provided, single submitter. Criteria: Invitae Variant Classification Sherloc (09022015). Collection method: clinical testing. Allele origin: germline.
Comment: This sequence change replaces leucine, which is neutral and non-polar, with tryptophan, which is neutral and slightly polar, at codon 375 of the SCN1A protein (p.Leu375Trp). This variant is not present in population databases (gnomAD no frequency). This missense change has been observed in individual(s) with SCN1A-related seizures (internal data). Invitae Evidence Modeling of protein sequence and biophysical properties (such as structural, functional, and spatial information, amino acid conservation, physicochemical variation, residue mobility, and thermodynamic stability) indicates that this missense variant is expected to disrupt SCN1A protein function with a positive predictive value of 95%. This variant disrupts the p.Leu375 amino acid residue in SCN1A. Other variant(s) that disrupt this residue have been observed in individuals with SCN1A-related conditions (PMID: 29429461), which suggests that this may be a clinically significant amino acid residue. In summary, the available evidence is currently insufficient to determine the role of this variant in disease. Therefore, it has been classified as a Variant of Uncertain Significance.

Literature cited by the submitters: PubMed 29429461.